The following is an entry in ClinVar:

ClinVar aggregate classification (germline): Uncertain significance (1 of 4 stars; one submission).

Conditions:
Bloom syndrome (BLM). Also called: Bloom-Torre-Machacek syndrome. Identifiers: Orphanet 125, MedGen C0005859, MONDO:0008876, OMIM 210900.

Allele frequency attached by ClinVar (database versions not stated): gnomAD exomes below 0.00001.

Submission:

Labcorp Genetics (formerly Invitae), Labcorp
Classification: Uncertain significance for Bloom syndrome. Last evaluated: 2022-06-05. Review status: criteria provided, single submitter. Criteria: Invitae Variant Classification Sherloc (09022015). Collection method: clinical testing. Allele origin: germline.
Comment: This sequence change replaces aspartic acid, which is acidic and polar, with glycine, which is neutral and non-polar, at codon 559 of the BLM protein (p.Asp559Gly). In summary, the available evidence is currently insufficient to determine the role of this variant in disease. Therefore, it has been classified as a Variant of Uncertain Significance. Algorithms developed to predict the effect of sequence changes on RNA splicing suggest that this variant may create or strengthen a splice site. Algorithms developed to predict the effect of missense changes on protein structure and function are either unavailable or do not agree on the potential impact of this missense change (SIFT: "Deleterious"; PolyPhen-2: "Benign"; Align-GVGD: "Class C0"). ClinVar contains an entry for this variant (Variation ID: 838767). This variant has not been reported in the literature in individuals affected with BLM-related conditions. This variant is not present in population databases (gnomAD no frequency).

NM_000057.4(BLM):c.1676A>G (p.Asp559Gly)

Gene: BLM (BLM RecQ like helicase; plus strand). Cytogenetic location: 15q26.1.
Variant type: single nucleotide variant.
Coding change: c.1676A>G on transcript NM_000057.4 (MANE Select); coding-DNA position 1676, A replaced by G.
Protein change: p.Asp559Gly; replaces aspartic acid 559 with glycine.
Molecular consequence: missense variant.
Genome position (GRCh38, 1-based): chr15:90,761,049, A>G. VCF-style: chr15-90761049-A-G. GRCh37 (hg19) VCF-style: chr15-91304279-A-G.
Other names: c.1676A>G, p.Asp559Gly (NM_001287246.2, NM_001287247.2); c.551A>G, p.Asp184Gly (NM_001287248.2); short protein forms D184G, D559G.
Identifiers: ClinVar variation 838767 (VCV000838767.10), dbSNP rs1596230337, ClinGen allele CA393843591.